The following is an entry in ClinVar:

ClinVar aggregate classification (germline): Likely benign (1 of 4 stars; one submission).

Submission:

CeGaT Center for Human Genetics Tuebingen
Classification: Likely benign. Last evaluated: 2022-10-01. Review status: criteria provided, single submitter. Criteria: CeGaT Center For Human Genetics Tuebingen Variant Classification Criteria Version 2. Collection method: clinical testing. Allele origin: germline. Affected: yes. Observed: 1 variant allele.
Comment: MME: PM2:Supporting, BP4, BP7

NM_007289.4(MME):c.196+4771G>C

Gene: MME (membrane metalloendopeptidase; plus strand). Cytogenetic location: 3q25.2.
Variant type: single nucleotide variant.
Coding change: c.196+4771G>C on transcript NM_007289.4 (MANE Select); 4771 bases into the intron after coding-DNA position 196, G replaced by C.
Molecular consequence: intron variant. On other transcripts: synonymous variant (1).
Genome position (GRCh38, 1-based): chr3:155,089,865, G>C. VCF-style: chr3-155089865-G-C. GRCh37 (hg19) VCF-style: chr3-154807654-G-C.
Other names: c.228G>C, p.Gly76= (NM_001354644.1); c.196+4771G>C (NM_001354642.2, NM_000902.5, NM_007287.4 and 2 more transcripts).
Identifiers: ClinVar variation 2654245 (VCV002654245.24), dbSNP rs1232659357, ClinGen allele CA2695199316.